The following is an entry in ClinVar:

ClinVar aggregate classification (germline): Uncertain significance (1 of 4 stars; one submission).

Conditions:
Cardiomyopathy (CMYO). Also called: Cardiomyopathies. Identifiers: Orphanet 167848, MedGen C0878544, MONDO:0004994, HP:0001638. Inheritance: Various modes of inheritance.

Submission:

Color Diagnostics, LLC DBA Color Health
Classification: Uncertain significance for Cardiomyopathy. Last evaluated: 2019-07-05. Review status: criteria provided, single submitter. Criteria: ACMG Guidelines, 2015. Collection method: clinical testing. Allele origin: germline.
Comment: This missense variant replaces lysine with glutamine at codon 104 of the MYL2 protein. Computational prediction tools and conservation analyses are inconclusive regarding the impact of this variant on the protein function. Computational splicing tools suggest that this variant may not impact RNA splicing. To our knowledge, functional assays have not been performed for this variant nor has this variant been reported in individuals affected with cardiovascular disorders in the literature. This variant has not been identified in the general population by the Genome Aggregation Database (gnomAD). Available evidence is insufficient to determine the role of this variant in disease conclusively. Therefore, this variant is classified as a Variant of Uncertain Significance.

NM_000432.4(MYL2):c.310A>C (p.Lys104Gln)

Gene: MYL2 (myosin light chain 2; minus strand). Cytogenetic location: 12q24.11.
Variant type: single nucleotide variant.
Coding change: c.310A>C on transcript NM_000432.4 (MANE Select); coding-DNA position 310, A replaced by C.
Protein change: p.Lys104Gln; replaces lysine 104 with glutamine.
Molecular consequence: missense variant.
Genome position (GRCh38, 1-based): chr12:110,913,289, T>G on the plus strand (A>C on the coding strand, the complement: MYL2 is on the minus strand). VCF-style: chr12-110913289-T-G. GRCh37 (hg19) VCF-style: chr12-111351093-T-G.
Other names: short protein forms K104Q.
Identifiers: ClinVar variation 921813 (VCV000921813.3), dbSNP rs199474811, ClinGen allele CA386698037.
Genomic context (GRCh38, chr12:110,913,289, plus strand): 5'-CCACAGACCCCACTCACTAATCAGCCTTCAGCACCCCTTTGCCTTCAGGGTCAAACACTT[T>G]GAATGCGTTGAGAATGGTTTCCTCAGGGTCCGCTCCTGAAACGGAACACAGGGCTTACAT-3'
Protein context (NP_000423.2, residues 94-114): DPEETILNAF[Lys104Gln]VFDPEGKGVL